The following is an entry in ClinVar:

ClinVar aggregate classification (germline): Likely benign (1 of 4 stars; one submission).

gnomAD v4.1: 14 of 1,613,552 alleles (0.00087%); highest among the groups gnomAD compares: African/African-American, 0.0013%; no homozygotes.

Submission:

CeGaT Center for Human Genetics Tuebingen
Classification: Likely benign. Last evaluated: 2024-12-01. Review status: criteria provided, single submitter. Criteria: CeGaT Center For Human Genetics Tuebingen Variant Classification Criteria Version 2. Collection method: clinical testing. Allele origin: germline. Affected: yes. Observed: 1 variant allele.
Comment: ZNF142: BP4, BP7

NM_001379659.1(ZNF142):c.4188G>C (p.Gly1396=)

Gene: ZNF142 (zinc finger protein 142; minus strand). Cytogenetic location: 2q35.
Variant type: single nucleotide variant.
Coding change: c.4188G>C on transcript NM_001379659.1 (MANE Select); coding-DNA position 4188, G replaced by C.
Protein change: p.Gly1396=; no amino-acid change (glycine 1396 retained).
Molecular consequence: synonymous variant.
Genome position (GRCh38, 1-based): chr2:218,642,928, C>G on the plus strand (G>C on the coding strand, the complement: ZNF142 is on the minus strand). VCF-style: chr2-218642928-C-G. GRCh37 (hg19) VCF-style: chr2-219507651-C-G.
Other names: c.3588G>C, p.Gly1196= (NM_001105537.5, NM_001366291.3, NM_001379662.1); c.3099G>C, p.Gly1033= (NM_001366287.3, NM_001366288.3, NM_001366289.3); c.4188G>C, p.Gly1396= (NM_001366290.3, NM_001379660.1, NM_001379661.1).
Identifiers: ClinVar variation 3771163 (VCV003771163.13).